The following is an entry in ClinVar:

ClinVar aggregate classification (germline): Benign (1 of 4 stars; one submission).

Conditions:
Colorectal cancer, susceptibility to, 1. Also called: COLORECTAL ADENOMA AND CANCER, SUSCEPTIBILITY TO; COLORECTAL CANCER, SUSCEPTIBILITY TO, ON CHROMOSOME 9. Identifiers: MedGen C1837315, MONDO:0012132, OMIM 608812.

Submission:

Myriad Genetics, Inc.
Classification: Benign for Colorectal cancer, susceptibility to, 1. Last evaluated: 2026-04-22. Review status: criteria provided, single submitter. Criteria: Myriad Autosomal Dominant, Autosomal Recessive and X-Linked Classification Criteria (2023). Collection method: clinical testing. Allele origin: unknown.
Comment: This variant is considered benign. This variant is a silent/synonymous amino acid change and it is not expected to impact splicing.

NM_024642.5(GALNT12):c.42G>T (p.Leu14=)

Gene: GALNT12 (polypeptide N-acetylgalactosaminyltransferase 12; plus strand). Cytogenetic location: 9q22.33.
Variant type: single nucleotide variant.
Coding change: c.42G>T on transcript NM_024642.5 (MANE Select); coding-DNA position 42, G replaced by T.
Protein change: p.Leu14=; no amino-acid change (leucine 14 retained).
Molecular consequence: synonymous variant.
Genome position (GRCh38, 1-based): chr9:98,807,740, G>T. VCF-style: chr9-98807740-G-T. GRCh37 (hg19) VCF-style: chr9-101570022-G-T.
Identifiers: ClinVar variation 4875760 (VCV004875760.1).
Genomic context (GRCh38, chr9:98,807,740, plus strand): 5'-GGCTGCAGTTGGCGGGCGCATGTGGGGGCGCACGGCGCGGCGGCGCTGCCCGCGGGAACT[G>T]CGGCGCGGCCGGGAGGCGCTGTTGGTGCTCCTGGCGCTACTGGCGTTGGCCGGGCTGGGC-3'
Protein context (NP_078918.3, residues 4-24): RTARRRCPRE[Leu14=]RRGREALLVL